The following is an entry in ClinVar:

NM_001374504.1(TMPRSS6):c.1940T>C (p.Leu647Pro)

Gene: TMPRSS6 (transmembrane serine protease 6; minus strand). Cytogenetic location: 22q12.3.
Variant type: single nucleotide variant.
Coding change: c.1940T>C on transcript NM_001374504.1 (MANE Select); coding-DNA position 1940, T replaced by C.
Protein change: p.Leu647Pro; replaces leucine 647 with proline.
Molecular consequence: missense variant.
Genome position (GRCh38, 1-based): chr22:37,069,246, A>G on the plus strand (T>C on the coding strand, the complement: TMPRSS6 is on the minus strand). VCF-style: chr22-37069246-A-G. GRCh37 (hg19) VCF-style: chr22-37465286-A-G.
Other names: c.1940T>C, p.Leu647Pro (NM_001289000.2, NM_001289001.2, NM_153609.4); short protein forms L647P.
Identifiers: ClinVar variation 4887889 (VCV004887889.1).
Genomic context (GRCh38, chr22:37,069,246, plus strand): 5'-TGGTCGAGCTGCAGCAGCGCCACGTCGTAGTCATGGCTGTCCTCTTCGTGGTACGGGTGC[A>G]GGAGCAGGCGGCTCACCTTGAAGGACACCTCTCCAGGCCAGCGCGAGTTCTGCCACACCT-3'
Protein context (NP_001361433.1, residues 637-657): EVSFKVSRLL[Leu647Pro]HPYHEEDSHD

ClinVar aggregate classification (germline): Uncertain significance (1 of 4 stars; one submission).

gnomAD v4.1: 137 of 1,610,596 alleles (0.0085%); highest among the groups gnomAD compares: Non-Finnish European, 0.012%; no homozygotes.

Submission:

GeneDx
Classification: Uncertain significance. Last evaluated: 2026-02-05. Review status: criteria provided, single submitter. Criteria: GeneDx Variant Classification Process June 2021. Collection method: clinical testing. Allele origin: germline.
Comment: Not observed at significant frequency in large population cohorts (gnomAD); In silico analysis suggests that this missense variant does not alter protein structure/function; Has not been previously published as pathogenic or benign to our knowledge